The following is an entry in ClinVar:

ClinVar aggregate classification (germline): Uncertain significance (1 of 4 stars; one submission).

Submission:

Labcorp Genetics (formerly Invitae), Labcorp
Classification: Uncertain significance. Last evaluated: 2024-06-03. Review status: criteria provided, single submitter. Criteria: Invitae Variant Classification Sherloc (09022015). Collection method: clinical testing. Allele origin: germline.
Comment: This sequence change replaces phenylalanine, which is neutral and non-polar, with leucine, which is neutral and non-polar, at codon 309 of the GPAA1 protein (p.Phe309Leu). This variant is not present in population databases (gnomAD no frequency). This variant has not been reported in the literature in individuals affected with GPAA1-related conditions. ClinVar contains an entry for this variant (Variation ID: 1490977). Advanced modeling of protein sequence and biophysical properties (such as structural, functional, and spatial information, amino acid conservation, physicochemical variation, residue mobility, and thermodynamic stability) performed at Invitae indicates that this missense variant is not expected to disrupt GPAA1 protein function with a negative predictive value of 80%. In summary, the available evidence is currently insufficient to determine the role of this variant in disease. Therefore, it has been classified as a Variant of Uncertain Significance.

NM_003801.4(GPAA1):c.927C>A (p.Phe309Leu)

Gene: GPAA1 (glycosylphosphatidylinositol anchor attachment 1; plus strand). Cytogenetic location: 8q24.3.
Variant type: single nucleotide variant.
Coding change: c.927C>A on transcript NM_003801.4 (MANE Select); coding-DNA position 927, C replaced by A.
Protein change: p.Phe309Leu; replaces phenylalanine 309 with leucine.
Molecular consequence: missense variant.
Genome position (GRCh38, 1-based): chr8:144,084,526, C>A. VCF-style: chr8-144084526-C-A. GRCh37 (hg19) VCF-style: chr8-145139429-C-A.
Other names: short protein forms F309L.
Identifiers: ClinVar variation 1490977 (VCV001490977.7), dbSNP rs1391311710, ClinGen allele CA372499016.
Genomic context (GRCh38, chr8:144,084,526, plus strand): 5'-ACTGCTGCTCATGGTTCTGCGGCAGGCCTCCGGCCGCCCCCACGGCTCCCATGGCCTCTT[C>A]CTGCGCTACCGTGTGGAGGCCCTAACCCTGCGTGGCATCAATAGCTTCCGCCAGTACAAG-3'
Protein context (NP_003792.1, residues 299-319): SGRPHGSHGL[Phe309Leu]LRYRVEALTL